The following is an entry in ClinVar:

ClinVar aggregate classification (germline): Pathogenic/Likely pathogenic. Review status: criteria provided, multiple submitters, no conflicts (2 of 4 stars). 7 submissions from 7 submitters: Pathogenic (1); Likely pathogenic (5). 1 of the submissions does not count toward it. Last evaluated 2025-05-26.

Conditions:
Autosomal recessive limb-girdle muscular dystrophy. Identifiers: Orphanet 102015, MedGen C2931907, MONDO:0015152.
Autosomal recessive limb-girdle muscular dystrophy type 2A (LGMDR1). Also called: Muscular dystrophy, limb-girdle, type 2A, Amish; LEYDEN-MOEBIUS MUSCULAR DYSTROPHY; MUSCULAR DYSTROPHY, PELVOFEMORAL; Limb-girdle muscular dystrophy, type 2A; Calpainopathy. Identifiers: Orphanet 267, MedGen C1869123, MONDO:0009675, OMIM 253600. Disease mechanism: loss of function.
Muscular dystrophy, limb-girdle, autosomal dominant 4. Also called: MUSCULAR DYSTROPHY, LIMB-GIRDLE, TYPE 1I; Calpain-3-related limb-girdle muscular dystrophy D4. Identifiers: Orphanet 565909, MedGen C4748295, MONDO:0029133, OMIM 618129.

Allele frequency attached by ClinVar (database versions not stated): gnomAD exomes below 0.00001.
gnomAD v4.1: 2 of 1,614,056 alleles (0.00012%); highest among the groups gnomAD compares: Non-Finnish European, 0.00017%; no homozygotes.

Submissions (7):

Natera, Inc.
Classification: Likely pathogenic for Limb-girdle muscular dystrophy type 2A. Last evaluated: 2025-05-26. Review status: criteria provided, single submitter. Criteria: Natera Variant Classification Schema (03/2026). Collection method: clinical testing. Allele origin: germline.
Comment: The c.848T>C variant in CAPN3 is a missense variant predicted to cause substitution of methionine to threonine at amino acid 283. This variant is rare in the general population with a frequency below the threshold expected for the associated phenotype(s). This variant has been observed in one or more individuals affected with the associated recessive disease, as either homozygous or compound heterozygous with a second variant (PMID: 26404900, 25046369, 15221789). Given the available evidence, this variant is classified as Likely Pathogenic.

Athena Diagnostics
Classification: Likely pathogenic. Last evaluated: 2025-02-19. Review status: criteria provided, single submitter. Criteria: Athena Diagnostics Criteria. Collection method: clinical testing. Allele origin: unknown.
Comment: This variant has not been reported in large, multi-ethnic general populations. This variant has been identified in multiple unrelated individuals with clinical features associated with autosomal recessive limb-girdle muscular dystrophy (LGMD). In multiple individuals, this variant has been seen with a single recessive pathogenic variant in the same gene, suggesting this variant may also be pathogenic. Polyphen and MutationTaster yielded discordant predictions regarding whether this amino acid change is damaging to the protein.

Labcorp Genetics (formerly Invitae), Labcorp
Classification: Likely pathogenic for Autosomal recessive limb-girdle muscular dystrophy type 2A. Last evaluated: 2024-03-01. Review status: criteria provided, single submitter. Criteria: Invitae Variant Classification Sherloc (09022015). Collection method: clinical testing. Allele origin: germline.
Comment: This sequence change replaces methionine, which is neutral and non-polar, with threonine, which is neutral and polar, at codon 283 of the CAPN3 protein (p.Met283Thr). This variant is not present in population databases (gnomAD no frequency). This missense change has been observed in individual(s) with clinical features of autosomal recessive limb-girdle muscular dystrophy (PMID: 15221789, 25046369, 26404900). ClinVar contains an entry for this variant (Variation ID: 555646). Advanced modeling of protein sequence and biophysical properties (such as structural, functional, and spatial information, amino acid conservation, physicochemical variation, residue mobility, and thermodynamic stability) performed at Invitae indicates that this missense variant is not expected to disrupt CAPN3 protein function with a negative predictive value of 80%. In summary, the currently available evidence indicates that the variant is pathogenic, but additional data are needed to prove that conclusively. Therefore, this variant has been classified as Likely Pathogenic.

Revvity Omics, Revvity
Classification: Likely pathogenic. Last evaluated: 2023-10-09. Review status: criteria provided, single submitter. Criteria: ACMG Guidelines, 2015. Collection method: clinical testing. Allele origin: germline.

Baylor Genetics
Classification: Likely pathogenic for Muscular dystrophy, limb-girdle, autosomal dominant 4. Last evaluated: 2023-07-29. Review status: criteria provided, single submitter. Criteria: ACMG Guidelines, 2015. Collection method: clinical testing. Allele origin: unknown.

Women's Health and Genetics/Laboratory Corporation of America, LabCorp
Classification: Pathogenic for Autosomal recessive limb-girdle muscular dystrophy. Last evaluated: 2021-09-03. Review status: criteria provided, single submitter. Criteria: LabCorp Variant Classification Summary - May 2015. Collection method: clinical testing. Allele origin: germline.
Comment: Variant summary: CAPN3 c.848T>C (p.Met283Thr) results in a non-conservative amino acid change located in the Peptidase C2, calpain, catalytic domain (IPR001330) of the encoded protein sequence. Three of five in-silico tools predict a benign effect of the variant on protein function. The variant was absent in 251486 control chromosomes. c.848T>C has been reported in the literature as a compound heterozygous/homozygous genotype in multiple individuals affected with Limb-Girdle Muscular Dystrophy, Autosomal Recessive (example, Fanin_2004, Bartoli_2014, Magri_2015, Barp_2020, Dionnet_2020). These data indicate that the variant is very likely to be associated with disease. At least one publication reports experimental evidence evaluating an impact on protein function. The most pronounced variant effect results in complete absence of the Calpain-3 protein staining upon western blot analysis (Fanin_2004). One clinical diagnostic laboratory has submitted clinical-significance assessments for this variant to ClinVar after 2014 without evidence for independent evaluation and classified the variant as likely pathogenic. Based on the evidence outlined above, the variant was classified as pathogenic.

Counsyl
Classification: Likely pathogenic for Autosomal recessive limb-girdle muscular dystrophy type 2A. Last evaluated: 2017-12-19. Review status: no assertion criteria provided. Collection method: clinical testing. Allele origin: unknown. Not counted in ClinVar's aggregate classification.

Literature cited by the submitters: PubMed 26404900 (cited by 5 submitters); PubMed 25046369 (cited by 5 submitters); PubMed 15221789 (cited by 4 submitters); PubMed 32668095 (cited by Athena Diagnostics and Women's Health and Genetics/Laboratory Corporation of America, LabCorp); PubMed 31555977 (cited by Athena Diagnostics and Women's Health and Genetics/Laboratory Corporation of America, LabCorp); PubMed 18854869 (cited by Athena Diagnostics and Counsyl).

NM_000070.3(CAPN3):c.848T>C (p.Met283Thr)

Gene: CAPN3 (calpain 3; plus strand). Cytogenetic location: 15q15.1.
Variant type: single nucleotide variant.
Coding change: c.848T>C on transcript NM_000070.3 (MANE Select); coding-DNA position 848, T replaced by C.
Protein change: p.Met283Thr; replaces methionine 283 with threonine.
Molecular consequence: missense variant. On other transcripts: intron variant (1).
Genome position (GRCh38, 1-based): chr15:42,389,999, T>C. VCF-style: chr15-42389999-T-C. GRCh37 (hg19) VCF-style: chr15-42682197-T-C.
Other names: c.848T>C, p.Met283Thr (NM_024344.2); c.801+903T>C (NM_173087.2); short protein forms M283T.
Identifiers: ClinVar variation 555646 (VCV000555646.13), dbSNP rs1555420765, ClinGen allele CA391998519.
Genomic context (GRCh38, chr15:42,389,999, plus strand): 5'-CCATCGGGCCTCAGGATGGCACGAACATGACCTATGGAACCTCTCCTTCTGGTCTGAACA[T>C]GGGGGAGTTGATTGCACGGATGGTAAGGAATATGGATAACTCACTGCTCCAGGACTCAGA-3'
Protein context (NP_000061.1, residues 273-293): TYGTSPSGLN[Met283Thr]GELIARMVRN